The following is an entry in ClinVar:

ClinVar aggregate classification (germline): Benign/Likely benign. Review status: criteria provided, multiple submitters, no conflicts (2 of 4 stars). 3 submissions from 3 submitters: Benign (1); Likely benign (2). Last evaluated 2025-07-18.

Conditions:
Hereditary cancer-predisposing syndrome. Also called: Neoplastic Syndromes, Hereditary; Tumor predisposition; Hereditary Cancer Syndrome; Hereditary neoplastic syndrome. Identifiers: Orphanet 140162, MedGen C0027672, MeSH D009386, MONDO:0015356.
Familial cancer of breast. Also called: Hereditary breast cancer; BREAST CANCER, FAMILIAL; hereditary breast carcinoma. Identifiers: Orphanet 227535, MedGen C0346153, MONDO:0016419, OMIM 114480. Disease mechanism: loss of function.

Allele frequency attached by ClinVar (database versions not stated): gnomAD exomes below 0.00001.
gnomAD v4.1: 1 of 1,613,782 alleles (0.000062%); highest among the groups gnomAD compares: East Asian, 0.0022%; no homozygotes.

Submissions (3):

Labcorp Genetics (formerly Invitae), Labcorp
Classification: Likely benign for Familial cancer of breast. Last evaluated: 2025-07-18. Review status: criteria provided, single submitter. Criteria: Invitae Variant Classification Sherloc (09022015). Collection method: clinical testing. Allele origin: germline.

Myriad Genetics, Inc.
Classification: Benign for Familial cancer of breast. Last evaluated: 2024-10-07. Review status: criteria provided, single submitter. Criteria: Myriad Autosomal Dominant, Autosomal Recessive and X-Linked Classification Criteria (2023). Collection method: clinical testing. Allele origin: unknown.
Comment: This variant is considered benign. This variant is a silent/synonymous amino acid change and it is not expected to impact splicing.

Ambry Genetics
Classification: Likely benign for Hereditary cancer-predisposing syndrome. Last evaluated: 2020-02-12. Review status: criteria provided, single submitter. Criteria: Ambry Variant Classification Scheme 2023. Collection method: clinical testing. Allele origin: germline.

NM_007194.4(CHEK2):c.1239A>G (p.Leu413=)

Gene: CHEK2 (checkpoint kinase 2; minus strand). Cytogenetic location: 22q12.1.
Variant type: single nucleotide variant.
Coding change: c.1239A>G on transcript NM_007194.4 (MANE Select); coding-DNA position 1239, A replaced by G.
Protein change: p.Leu413=; no amino-acid change (leucine 413 retained).
Molecular consequence: synonymous variant.
Genome position (GRCh38, 1-based): chr22:28,695,730, T>C on the plus strand (A>G on the coding strand, the complement: CHEK2 is on the minus strand). VCF-style: chr22-28695730-T-C. GRCh37 (hg19) VCF-style: chr22-29091718-T-C.
Other names: c.1368A>G, p.Leu456= (NM_001005735.3); c.576A>G, p.Leu192= (NM_001257387.3); c.1038A>G, p.Leu346= (NM_001349956.3); c.1152A>G, p.Leu384= (NM_145862.3).
Identifiers: ClinVar variation 1757568 (VCV001757568.8), dbSNP rs867238570, ClinGen allele CA323005705.